The following is an entry in ClinVar:

NM_001142800.2(EYS):c.6394C>T (p.Leu2132=)

Gene: EYS (EGF-like photoreceptor maintenance factor; minus strand). Cytogenetic location: 6q12.
Variant type: single nucleotide variant.
Coding change: c.6394C>T on transcript NM_001142800.2 (MANE Select); coding-DNA position 6394, C replaced by T.
Protein change: p.Leu2132=; no amino-acid change (leucine 2132 retained).
Molecular consequence: synonymous variant.
Genome position (GRCh38, 1-based): chr6:64,230,622, G>A on the plus strand (C>T on the coding strand, the complement: EYS is on the minus strand). VCF-style: chr6-64230622-G-A. GRCh37 (hg19) VCF-style: chr6-64940515-G-A.
Other names: c.6394C>T, p.Leu2132= (NM_001292009.2); c.6394C>T (NM_001142800.1).
Identifiers: ClinVar variation 992112 (VCV000992112.12), dbSNP rs149332790, ClinGen allele CA3876923.

ClinVar aggregate classification (germline): Benign/Likely benign. Review status: criteria provided, multiple submitters, no conflicts (2 of 4 stars). 4 submissions from 4 submitters: Benign (1); Likely benign (2). 1 of the submissions does not count toward it. Last evaluated 2025-08-06.

Conditions:
EYS-related disorder. Also called: EYS-related condition.
Autosomal recessive retinitis pigmentosa. Identifiers: MedGen C0339526.

Allele frequency attached by ClinVar (database versions not stated): TOPMed 0.00004; ExAC 0.00010; ESP Exome Variant Server 0.00022; gnomAD exomes 0.00044 and 0.00123; 1000 Genomes Project 30x 0.00062; 1000 Genomes Project 0.00080; gnomAD 0.00099 and 0.00103.
gnomAD v4.1: 749 of 1,551,192 alleles (0.048%); highest among the groups gnomAD compares: Non-Finnish European, 0.0074%; 6 homozygotes.

Submissions (4):

PreventionGenetics, part of Exact Sciences
Classification: Likely benign for EYS-related condition. Last evaluated: 2025-08-06. Review status: criteria provided, single submitter. Criteria: ACMG Guidelines, 2015. Collection method: clinical testing. Allele origin: germline.
Comment: This variant is classified as likely benign based on ACMG/AMP sequence variant interpretation guidelines (Richards et al. 2015 PMID: 25741868, with internal and published modifications).

Blueprint Genetics
Classification: Likely benign. Last evaluated: 2024-11-13. Review status: criteria provided, single submitter. Criteria: ACMG Guidelines, 2015. Collection method: clinical testing. Allele origin: germline.

Labcorp Genetics (formerly Invitae), Labcorp
Classification: Benign. Last evaluated: 2024-01-27. Review status: criteria provided, single submitter. Criteria: Invitae Variant Classification Sherloc (09022015). Collection method: clinical testing. Allele origin: germline.

Natera, Inc.
Classification: Uncertain significance for Autosomal recessive retinitis pigmentosa. Last evaluated: 2020-11-14. Review status: no assertion criteria provided. Collection method: clinical testing. Allele origin: germline. Not counted in ClinVar's aggregate classification.